The following is an entry in ClinVar:

NM_001267550.2(TTN):c.89197+1G>C

Genes: TTN-AS1 (TTN antisense RNA 1; plus strand), TTN (titin; minus strand). Cytogenetic location: 2q31.2.
Variant type: single nucleotide variant.
Coding change: c.89197+1G>C on transcript NM_001267550.2 (MANE Select); the canonical splice donor site of the intron after coding-DNA position 89197, G replaced by C.
Molecular consequence: splice donor variant.
Genome position (GRCh38, 1-based): chr2:178,553,913, C>G on the plus strand (G>C on the coding strand, the complement: TTN is on the minus strand). VCF-style: chr2-178553913-C-G. GRCh37 (hg19) VCF-style: chr2-179418640-C-G.
Other names: c.62002+1G>C (NM_003319.4); c.62578+1G>C (NM_133437.4); c.62377+1G>C (NM_133432.3); c.81493+1G>C (NM_133378.4); c.84274+1G>C (NM_001256850.1).
Identifiers: ClinVar variation 430269 (VCV000430269.24), dbSNP rs1131691873, ClinGen allele CA349520239.

ClinVar aggregate classification (germline): Pathogenic/Likely pathogenic. Review status: criteria provided, multiple submitters, no conflicts (2 of 4 stars). 5 submissions from 5 submitters: Pathogenic (2); Likely pathogenic (3). Last evaluated 2026-09-01.

Conditions:
Autosomal recessive limb-girdle muscular dystrophy type 2J (LGMDR10). Also called: Limb-girdle muscular dystrophy, type 2J; MUSCULAR DYSTROPHY, LIMB-GIRDLE, AUTOSOMAL RECESSIVE 10. Identifiers: Orphanet 140922, MedGen C1837342, MONDO:0012127, OMIM 608807.
Dilated cardiomyopathy 1G (CMD1G). Identifiers: Orphanet 154, MedGen C1858763, MONDO:0011400, OMIM 604145.
Cardiovascular phenotype. Identifiers: MedGen CN230736.
Primary familial dilated cardiomyopathy (FDC). Also called: Familial dilated cardiomyopathy; Hypokinetic dilated cardiomyopathy, familial. Identifiers: Orphanet 217607, MedGen C0340427, MONDO:0016333.

Allele frequency attached by ClinVar (database versions not stated): TOPMed 0.00001; gnomAD 0.00003.
gnomAD v4.1: 2 of 1,589,456 alleles (0.00013%); highest among the groups gnomAD compares: Non-Finnish European, 0.00017%; no homozygotes.

Submissions (5):

GeneDx
Classification: Likely pathogenic. Last evaluated: 2026-09-01. Review status: criteria provided, single submitter. Criteria: GeneDx Variant Classification Process June 2021. Collection method: clinical testing. Allele origin: germline.
Comment: Canonical splice site variant predicted to result in an in-frame loss of the adjacent exon in a gene for which loss of function is a known mechanism of disease; Not observed at significant frequency in large population cohorts (gnomAD); This variant is associated with the following publications: (PMID: 34495297, 30535219, 39096151, 22335739, 32778822)

Labcorp Genetics (formerly Invitae), Labcorp
Classification: Pathogenic for Dilated cardiomyopathy 1G; Autosomal recessive limb-girdle muscular dystrophy type 2J. Last evaluated: 2025-12-24. Review status: criteria provided, single submitter. Criteria: Invitae Variant Classification Sherloc (09022015). Collection method: clinical testing. Allele origin: germline.
Comment: This sequence change affects a donor splice site in intron 333 of the TTN gene. It is expected to disrupt RNA splicing and likely results in a truncated or disrupted TTN protein. This variant is present in population databases (no rsID available, gnomAD 0.007%). Disruption of this splice site has been observed in individuals with dilated cardiomyopathy and/or early-onset atrial fibrillation (PMID: 30535219; internal data). ClinVar contains an entry for this variant (Variation ID: 430269). Algorithms developed to predict the effect of sequence changes on RNA splicing suggest that this variant may disrupt the consensus splice site. This variant is located in the A band of TTN (PMID: 25589632). Truncating variants in this region are significantly overrepresented in patients affected with dilated cardiomyopathy (PMID: 25589632). Truncating variants in this region have also been reported in individuals affected with autosomal recessive centronuclear myopathy (PMID: 23975875). For these reasons, this variant has been classified as Pathogenic.

Ambry Genetics
Classification: Likely pathogenic for Cardiovascular phenotype. Last evaluated: 2025-07-03. Review status: criteria provided, single submitter. Criteria: Ambry Variant Classification Scheme 2023. Collection method: clinical testing. Allele origin: germline.
Comment: The c.62002+1G>C intronic variant results from a G to C substitution one nucleotide after coding exon 160 of the TTN gene. Exon 160 is located in the A-band region of the N2-B isoform of the titin protein and is constitutively expressed in TTN transcripts (percent spliced in or PSI 100%). This nucleotide position is highly conserved in available vertebrate species. In silico splice site analysis predicts that this alteration will weaken the native splice donor site. This alteration disrupts the canonical splice site and is expected to cause aberrant splicing, resulting in an abnormal protein or a transcript that is subject to nonsense-mediated mRNA decay. While loss of function variants in TTN are present in 1-3% of the general population, truncating variants (a category that includes canonical splice site variants) in the A-band are the most common cause of dilated cardiomyopathy (DCM) (Herman DS et al. N. Engl. J. Med., 2012 Feb;366:619-28; Roberts AM et al. Sci Transl Med, 2015 Jan;7:270ra6). TTN truncating variants encoded in constitutive exons (PSI >90%) have been found to be significantly associated with DCM regardless of their position in titin (Schafer S et al. Nat. Genet., 2017 01;49:46-53). This variant is considered to be rare based on population cohorts in the Genome Aggregation Database (gnomAD). As such, this alteration is classified as likely pathogenic.

Women's Health and Genetics/Laboratory Corporation of America, LabCorp
Classification: Pathogenic for Primary familial dilated cardiomyopathy. Last evaluated: 2025-06-03. Review status: criteria provided, single submitter. Criteria: LabCorp Variant Classification Summary - May 2015. Collection method: clinical testing. Allele origin: germline.
Comment: Variant summary: TTN c.81493+1G>C is located in a canonical splice-site and is predicted to affect mRNA splicing resulting in a significantly altered protein due to either exon skipping, shortening, or inclusion of intronic material. Variants that disrupt the consensus splice site are a relatively common cause of aberrant splicing and loss of TTN function. Loss of function variants in all TTN bands are strongly associated with a spectrum of autosomal recessive titinopathies when exon expression (proportion spliced in, PSI, 1=complete expression) in skeletal muscle is >0.1 (PMID: 36977548, 39198997, 29598826, 32778822, 29691892, 33449170, 36977548, internal data). In contrast, loss of function variants in all TTN bands are only strongly associated with autosomal dominant TTN-related cardiomyopathies if located in exons constitutively expressed (PSI >0.9) in cardiac muscle, excluding extreme C-terminal exons 359-363 (PMID: 25589632, 31216868, 32964742, 34662387, 27869827, Shetty et al., Nat Cardiovasc Res 2024,, internal data). This variant has a maximum skeletal muscle PSI of 0.939 and a maximum cardiac muscle PSI of 1.000. Several computational tools predict a significant impact on normal splicing: Four predict the variant abolishes a 5 splicing donor site. However, these predictions have yet to be confirmed by functional studies. The variant was absent in 230186 control chromosomes. c.81493+1G>C has been observed in the presumed heterozygous state in multiple individual(s) affected with autosomal dominant Dilated Cardiomyopathy and/or atrial fibrillation (example, Choi_2018, Yoneda_2021, internal data). A different variant at the same canonical 5' donor splice site has been classified as Pathogenic by our laboratory for autosomal dominant dilated cardiomyopathy (PMID: 33106378). To our knowledge, no experimental evidence demonstrating an impact on protein function has been reported. The following publications have been ascertained in the context of this evaluation (PMID: 30535219, 34495297). ClinVar contains an entry for this variant (Variation ID: 430269). Based on the evidence outlined above, the variant was classified as pathogenic for both autosomal dominant and autosomal recessive TTN-related conditions.

Mayo Clinic Laboratories, Mayo Clinic
Classification: Likely pathogenic. Last evaluated: 2023-01-27. Review status: criteria provided, single submitter. Criteria: ACMG Guidelines, 2015. Collection method: clinical testing. Allele origin: germline. Observed: 2 variant alleles.
Comment: PP3, PS4_supporting, PVS1_strong

Literature cited by the submitters: PubMed 30535219 (cited by 4 submitters); PubMed 25589632 (cited by Labcorp Genetics (formerly Invitae), Labcorp); PubMed 23975875 (cited by Labcorp Genetics (formerly Invitae), Labcorp); PubMed 34495297 (cited by Women's Health and Genetics/Laboratory Corporation of America, LabCorp and Mayo Clinic Laboratories, Mayo Clinic).